The following is an entry in ClinVar:

NM_001139.3(ALOX12B):c.1294C>T (p.Arg432Ter)

Gene: ALOX12B (arachidonate 12-lipoxygenase, 12R type; minus strand). Cytogenetic location: 17p13.1.
Variant type: single nucleotide variant.
Coding change: c.1294C>T on transcript NM_001139.3 (MANE Select); coding-DNA position 1294, C replaced by T.
Protein change: p.Arg432Ter; replaces arginine 432 with a stop codon.
Molecular consequence: nonsense.
Genome position (GRCh38, 1-based): chr17:8,076,725, G>A on the plus strand (C>T on the coding strand, the complement: ALOX12B is on the minus strand). VCF-style: chr17-8076725-G-A. GRCh37 (hg19) VCF-style: chr17-7980043-G-A.
Other names: c.1294C>T, p.Arg432Ter (LRG_1264t1); short protein forms R432*.
Identifiers: ClinVar variation 39539 (VCV000039539.12), dbSNP rs397514527, ClinGen allele CA261162.

ClinVar aggregate classification (germline): Pathogenic/Likely pathogenic. Review status: criteria provided, multiple submitters, no conflicts (2 of 4 stars). 7 submissions from 7 submitters: Pathogenic (4); Likely pathogenic (1). 2 of the submissions do not count toward it. Last evaluated 2026-01-11.

Conditions:
Autosomal recessive congenital ichthyosis 2 (ARCI2). Identifiers: Orphanet 281122, Orphanet 79394, MedGen C3888093, MONDO:0009439, OMIM 242100.

Allele frequency attached by ClinVar (database versions not stated): TOPMed 0.00002; gnomAD exomes 0.00001 and 0.00003.
gnomAD v4.1: 37 of 1,550,650 alleles (0.0024%); highest among the groups gnomAD compares: South Asian, 0.0048%; no homozygotes.

Submissions (7):

Labcorp Genetics (formerly Invitae), Labcorp
Classification: Pathogenic. Last evaluated: 2026-01-11. Review status: criteria provided, single submitter. Criteria: Invitae Variant Classification Sherloc (09022015). Collection method: clinical testing. Allele origin: germline.
Comment: This sequence change creates a premature translational stop signal (p.Arg432*) in the ALOX12B gene. It is expected to result in an absent or disrupted protein product. Loss-of-function variants in ALOX12B are known to be pathogenic (PMID: 16116617, 23621129, 31046801). The frequency data for this variant in the population databases is considered unreliable, as metrics indicate poor data quality at this position in the gnomAD database. This premature translational stop signal has been observed in individual(s) with congenital ichthyosis (PMID: 16116617, 35412663). ClinVar contains an entry for this variant (Variation ID: 39539). For these reasons, this variant has been classified as Pathogenic.

Revvity Omics, Revvity
Classification: Pathogenic for Autosomal recessive congenital ichthyosis 2. Last evaluated: 2024-10-09. Review status: criteria provided, single submitter. Criteria: ACMG Guidelines, 2015. Collection method: clinical testing. Allele origin: germline.

GeneDx
Classification: Pathogenic. Last evaluated: 2018-11-06. Review status: criteria provided, single submitter. Criteria: GeneDx Variant Classification (06012015). Collection method: clinical testing. Allele origin: germline. Affected: yes.
Comment: The R432X pathogenic variant in the ALOX12B gene has been reported previously either in the homozygous state or in combination with another ALOX12B variant in several individuals with congenital ichthyosis (Eckl et al., 2005; Kurban et al., 2010; Buckova et al., 2016). This variant is predicted to cause loss of normal protein function either through protein truncation or nonsense-mediated mRNA decay. The R432X variant is not observed in large population cohorts (Lek et al., 2016). We interpret R432X as a pathogenic variant.

Illumina Laboratory Services, Illumina
Classification: Likely pathogenic for Autosomal recessive congenital ichthyosis 2. Last evaluated: 2017-04-28. Review status: criteria provided, single submitter. Criteria: ICSL Variant Classification Criteria 09 May 2019. Collection method: clinical testing. Allele origin: germline.
Comment: The ALOX12B c.1294C>T (p.Arg432Ter) variant is a stop-gained variant. The p.Arg432Ter variant has been reported in two studies and identified in three individuals with congenital ichthyosis in a compound heterozygous state, two of whom were related (Eckl et al. 2005; Akiyama et al. 2010). The p.Arg432Ter variant was absent from 250 ethnically-matched controls and is not found in the 1000 Genomes Project, the Exome Sequencing Project, or the Exome Aggregation Consortium. Due to the potential impact of stop-gained variants and limited evidence, the p.Arg432Ter variant is classified as likely pathogenic for congenital ichthyosis. This variant was observed by ICSL as part of a predisposition screen in an ostensibly healthy population.

Juno Genomics, Hangzhou Juno Genomics, Inc
Classification: Pathogenic for Autosomal recessive congenital ichthyosis 2. Review status: criteria provided, single submitter. Criteria: ACMG Guidelines, 2015. Collection method: clinical testing. Allele origin: germline.
Comment: Absent from controls (or at extremely low frequency if recessive) in Genome Aggregation Database.;Null variant in a gene where loss of function (LOF) is a known mechanism of disease.;For recessive disorders, detected in trans with a pathogenic variant.;Patient's phenotype or family history is highly specific for a disease with a single genetic etiology.

Institute for Human Genetics, University Medical Center Freiburg
Classification: Pathogenic for Autosomal recessive congenital ichthyosis 2. Last evaluated: 2021-01-07. Review status: no assertion criteria provided. Collection method: clinical testing. Allele origin: unknown. Affected: yes. Not counted in ClinVar's aggregate classification.

OMIM
Classification: Pathogenic for ICHTHYOSIS, CONGENITAL, AUTOSOMAL RECESSIVE 2. Last evaluated: 2005-10-01. Review status: no assertion criteria provided. Collection method: literature only. Allele origin: germline. Not counted in ClinVar's aggregate classification.

Literature cited by the submitters: PubMed 16116617 (cited by 4 submitters); PubMed 23621129 (cited by Labcorp Genetics (formerly Invitae), Labcorp); PubMed 31046801 (cited by Labcorp Genetics (formerly Invitae), Labcorp); PubMed 35412663 (cited by Labcorp Genetics (formerly Invitae), Labcorp); PubMed 20222929 (cited by Illumina Laboratory Services, Illumina).